The following is an entry in ClinVar:

NM_001003800.2(BICD2):c.2541C>T (p.Ser847=)

Gene: BICD2 (BICD cargo adaptor 2; minus strand). Cytogenetic location: 9q22.31.
Variant type: single nucleotide variant.
Coding change: c.2541C>T on transcript NM_001003800.2 (MANE Select); coding-DNA position 2541, C replaced by T.
Protein change: p.Ser847=; no amino-acid change (serine 847 retained).
Molecular consequence: synonymous variant. On other transcripts: intron variant (1).
Genome position (GRCh38, 1-based): chr9:92,715,181, G>A on the plus strand (C>T on the coding strand, the complement: BICD2 is on the minus strand). VCF-style: chr9-92715181-G-A. GRCh37 (hg19) VCF-style: chr9-95477463-G-A.
Other names: c.2469+72C>T (NM_015250.4).
Identifiers: ClinVar variation 705199 (VCV000705199.13), dbSNP rs775345022, ClinGen allele CA5126272.

ClinVar aggregate classification (germline): Benign. Review status: criteria provided, multiple submitters, no conflicts (2 of 4 stars). 3 submissions from 3 submitters: Benign (2). 1 of the submissions does not count toward it. Last evaluated 2025-11-03.

Conditions:
BICD2-related disorder. Also called: BICD2-related condition.
Autosomal dominant childhood-onset proximal spinal muscular atrophy with contractures (SMALED2A). Also called: Spinal muscular atrophy, lower extremity-predominant, 2A, autosomal dominant; SPINAL MUSCULAR ATROPHY, LOWER EXTREMITY-PREDOMINANT, 2A, CHILDHOOD ONSET, AUTOSOMAL DOMINANT. Identifiers: Orphanet 363447, Orphanet 363454, MedGen C4747715, MONDO:0014121, OMIM 615290.

Allele frequency attached by ClinVar (database versions not stated): gnomAD 0.00004 and 0.00005; gnomAD exomes 0.00002 and 0.00008; ExAC 0.00005; TOPMed 0.00010.
gnomAD v4.1: 39 of 1,602,708 alleles (0.0024%); highest among the groups gnomAD compares: East Asian, 0.045%; no homozygotes.

Submissions (3):

Women's Health and Genetics/Laboratory Corporation of America, LabCorp
Classification: Benign. Last evaluated: 2025-11-03. Review status: criteria provided, single submitter. Criteria: LabCorp Variant Classification Summary - May 2015. Collection method: clinical testing. Allele origin: germline.

Labcorp Genetics (formerly Invitae), Labcorp
Classification: Benign for Autosomal dominant childhood-onset proximal spinal muscular atrophy with contractures. Last evaluated: 2024-11-03. Review status: criteria provided, single submitter. Criteria: Invitae Variant Classification Sherloc (09022015). Collection method: clinical testing. Allele origin: germline.

PreventionGenetics, part of Exact Sciences
Classification: Likely benign for BICD2-related condition. Last evaluated: 2019-03-20. Review status: no assertion criteria provided. Collection method: clinical testing. Allele origin: germline. Not counted in ClinVar's aggregate classification.
Comment: This variant is classified as likely benign based on ACMG/AMP sequence variant interpretation guidelines (Richards et al. 2015 PMID: 25741868, with internal and published modifications).